The following is an entry in ClinVar:

ClinVar aggregate classification (germline): Uncertain significance. Review status: criteria provided, multiple submitters, no conflicts (2 of 4 stars). 2 submissions from 2 submitters: Uncertain significance (2). Last evaluated 2024-12-14.

Conditions:
Cardiovascular phenotype. Identifiers: MedGen CN230736.
Hypertrophic cardiomyopathy. Also called: HYPERTROPHIC MYOCARDIOPATHY. Identifiers: Orphanet 217569, MedGen C0007194, MeSH D002312, MONDO:0005045, HP:0001639.

Submissions (2):

Ambry Genetics
Classification: Uncertain significance for Cardiovascular phenotype. Last evaluated: 2024-12-14. Review status: criteria provided, single submitter. Criteria: Ambry Variant Classification Scheme 2023. Collection method: clinical testing. Allele origin: germline.
Comment: The p.P1208A variant (also known as c.3622C>G), located in coding exon 32 of the MYBPC3 gene, results from a C to G substitution at nucleotide position 3622. The proline at codon 1208 is replaced by alanine, an amino acid with highly similar properties. This amino acid position is conserved. In addition, this alteration is predicted to be deleterious by in silico analysis. Based on the available evidence, the clinical significance of this variant remains unclear.

Labcorp Genetics (formerly Invitae), Labcorp
Classification: Uncertain significance for Hypertrophic cardiomyopathy. Last evaluated: 2022-08-04. Review status: criteria provided, single submitter. Criteria: Invitae Variant Classification Sherloc (09022015). Collection method: clinical testing. Allele origin: germline.
Comment: In summary, the available evidence is currently insufficient to determine the role of this variant in disease. Therefore, it has been classified as a Variant of Uncertain Significance. Algorithms developed to predict the effect of missense changes on protein structure and function (SIFT, PolyPhen-2, Align-GVGD) all suggest that this variant is likely to be disruptive. This variant has not been reported in the literature in individuals affected with MYBPC3-related conditions. This variant is not present in population databases (gnomAD no frequency). This sequence change replaces proline, which is neutral and non-polar, with alanine, which is neutral and non-polar, at codon 1208 of the MYBPC3 protein (p.Pro1208Ala).

NM_000256.3(MYBPC3):c.3622C>G (p.Pro1208Ala)

Gene: MYBPC3 (myosin binding protein C3; minus strand). Cytogenetic location: 11p11.2.
Variant type: single nucleotide variant.
Coding change: c.3622C>G on transcript NM_000256.3 (MANE Select); coding-DNA position 3622, C replaced by G.
Protein change: p.Pro1208Ala; replaces proline 1208 with alanine.
Molecular consequence: missense variant.
Genome position (GRCh38, 1-based): chr11:47,332,571, G>C on the plus strand (C>G on the coding strand, the complement: MYBPC3 is on the minus strand). VCF-style: chr11-47332571-G-C. GRCh37 (hg19) VCF-style: chr11-47354122-G-C.
Other names: short protein forms P1208A.
Identifiers: ClinVar variation 1926001 (VCV001926001.6), dbSNP rs2142849872, ClinGen allele CA380312189.